The following is an entry in ClinVar:

ClinVar aggregate classification (germline): Likely pathogenic (1 of 4 stars; one submission).

Conditions:
Pyridoxine-dependent epilepsy (EPEO4). Also called: PYRIDOXINE DEPENDENCY WITH SEIZURES; Pyridoxine-Dependent Seizures; Pyridoxine-Dependent Epilepsy - ALDH7A1; EPILEPSY, EARLY-ONSET, 4, VITAMIN B6-DEPENDENT. Identifiers: Orphanet 3006, MedGen C1849508, MONDO:0009945, OMIM 266100. Disease mechanism: loss of function.

Submission:

Unidad de Genómica Garrahan, Hospital de Pediatría Garrahan
Classification: Likely pathogenic for Pyridoxine-dependent epilepsy. Last evaluated: 2025-08-05. Review status: criteria provided, single submitter. Criteria: ACMG Guidelines, 2015. Collection method: clinical testing. Allele origin: germline. Affected: yes.
Comment: Extremely low frequency in gnomAD population databases (PM2_sup). Computational prediction tools support a deleterious effect on the gene and indicate that the variant may alter normal splicing (PP3_mod). Patient's phenotype is highly specific for a disease with a single genetic etiology (PP4_sup).

NM_001182.5(ALDH7A1):c.1093+3_1093+6del

Gene: ALDH7A1 (aldehyde dehydrogenase 7 family member A1; minus strand). Cytogenetic location: 5q23.2.
Variant type: Deletion.
Coding change: c.1093+3_1093+6del on transcript NM_001182.5 (MANE Select); bases 3 to 6 of the intron after coding-DNA position 1093, 4 bases deleted (GAGT; older notation c.1093+3_1093+6delGAGT).
Molecular consequence: splice donor variant. On other transcripts: intron variant (1).
Genome position (GRCh38, 1-based): chr5:126,555,925-126,555,928, ACTC deleted on the plus strand (GAGT on the coding strand, the reverse complement: ALDH7A1 is on the minus strand); deleting any 4 consecutive bases within chr5:126,555,925-126,555,930 gives the same sequence; the c. name uses the placement nearest the transcript's 3' end. VCF-style (leftmost placement, unchanged base first): chr5-126555924-TACTC-T. GRCh37 (hg19) VCF-style: chr5-125891616-TACTC-T.
Other names: c.1008+3312_1008+3315del (NM_001202404.2); c.1009+3_1009+6del (NM_001201377.2).
Identifiers: ClinVar variation 4073536 (VCV004073536.1).
Genomic context (GRCh38, chr5:126,555,924, plus strand): 5'-ATCAGAAACACTTGTTAACAACAGCTCTCAAAAAGGGATCGCTTTGAAAGCAGAAGGAGA[TACTC>T]ACGGTCCCATGGGTTCCCAACTCGGATCTGTGCATAGGCCTTTTTAAGTCTGTTTACAAC-3'